The following is an entry in ClinVar:

ClinVar aggregate classification (germline): Uncertain significance (1 of 4 stars; one submission).

Conditions:
Early Myoclonic Encephalopathy. Identifiers: MedGen C0270855.

Submission:

Labcorp Genetics (formerly Invitae), Labcorp
Classification: Uncertain significance for Early Myoclonic Encephalopathy. Last evaluated: 2024-02-17. Review status: criteria provided, single submitter. Criteria: Invitae Variant Classification Sherloc (09022015). Collection method: clinical testing. Allele origin: germline.
Comment: This sequence change replaces asparagine, which is neutral and polar, with tyrosine, which is neutral and polar, at codon 2059 of the JMJD1C protein (p.Asn2059Tyr). This variant is not present in population databases (gnomAD no frequency). This variant has not been reported in the literature in individuals affected with JMJD1C-related conditions. ClinVar contains an entry for this variant (Variation ID: 854422). Advanced modeling of protein sequence and biophysical properties (such as structural, functional, and spatial information, amino acid conservation, physicochemical variation, residue mobility, and thermodynamic stability) performed at Invitae indicates that this missense variant is expected to disrupt JMJD1C protein function with a positive predictive value of 80%. In summary, the available evidence is currently insufficient to determine the role of this variant in disease. Therefore, it has been classified as a Variant of Uncertain Significance.

NM_032776.3(JMJD1C):c.6175A>T (p.Asn2059Tyr)

Gene: JMJD1C (jumonji domain containing 1C; minus strand). Cytogenetic location: 10q21.3.
Variant type: single nucleotide variant.
Coding change: c.6175A>T on transcript NM_032776.3 (MANE Select); coding-DNA position 6175, A replaced by T.
Protein change: p.Asn2059Tyr; replaces asparagine 2059 with tyrosine.
Molecular consequence: missense variant. On other transcripts: non-coding transcript variant (1).
Genome position (GRCh38, 1-based): chr10:63,191,010, T>A on the plus strand (A>T on the coding strand, the complement: JMJD1C is on the minus strand). VCF-style: chr10-63191010-T-A. GRCh37 (hg19) VCF-style: chr10-64950770-T-A.
Other names: c.5629A>T, p.Asn1877Tyr (NM_001282948.2, NM_001318154.2); c.5311A>T, p.Asn1771Tyr (NM_001318153.2); c.6061A>T, p.Asn2021Tyr (NM_001322252.2); c.5518A>T, p.Asn1840Tyr (NM_001322254.2, NM_001322258.2); short protein forms N1771Y, N1840Y, N2059Y, N1877Y, N2021Y.
Identifiers: ClinVar variation 854422 (VCV000854422.9), dbSNP rs1844731045, ClinGen allele CA377024856.